The following continues an entry in ClinVar:

NM_000053.4(ATP7B):c.3796G>A (p.Gly1266Arg)

Gene: ATP7B. ClinVar aggregate classification (germline): Pathogenic/Likely pathogenic. Pathogenic (16); Likely pathogenic (2).

Submissions 12 to 22 of 22:

ARUP Laboratories, Molecular Genetics and Genomics, ARUP Laboratories
Classification: Pathogenic for Wilson disease. Last evaluated: 2023-09-21. Review status: criteria provided, single submitter. Criteria: ARUP Molecular Germline Variant Investigation Process 2024. Collection method: clinical testing. Allele origin: germline.
Comment: The ATP7B c.3796G>A; p.Gly1266Arg variant (rs121907992) is reported in the literature in several individuals affected with Wilson disease (Butler 2001, Moller 2011, Thomas 1995). This variant is also reported in ClinVar (Variation ID: 3849), and is found in the general population with an overall allele frequency of 0.0036% (10/280988 alleles) in the Genome Aggregation Database. The glycine at codon 1266 is highly conserved, and computational analyses predict that this variant is deleterious (REVEL: 0.968). In vitro functional analyses demonstrate a loss of protein function (Huster 2012). Additionally, other amino acid substitutions at this codon (Glu, Trp, Val) have been reported in individuals with Wilson disease and are considered pathogenic (Li 2013, Pena-Quintana 2012, Shah 1997). Based on available information, this variant is considered to be pathogenic. References: Butler P et al. Molecular diagnosis of Wilson disease. Mol Genet Metab. 2001 Mar;72(3):223-30. PMID: 11243728. Huster D et al. Diverse functional properties of Wilson disease ATP7B variants. Gastroenterology. 2012 Apr;142(4):947-956.e5. PMID: 22240481. Li K et al. Mutational analysis of ATP7B in north Chinese patients with Wilson disease. J Hum Genet. 2013 Feb;58(2):67-72. PMID: 23235335. Moller LB et al. Clinical presentation and mutations in Danish patients with Wilson disease. Eur J Hum Genet. 2011 Sep;19(9):935-41. PMID: 21610751. Pena-Quintana L et al. Manifestations and evolution of Wilson disease in pediatric patients carrying ATP7B mutation L708P. J Pediatr Gastroenterol Nutr. 2012 Jan;54(1):48-54. PMID: 21832955. Shah AB et al. Identification and analysis of mutations in the Wilson disease gene (ATP7B): population frequencies, genotype-phenotype correlation, and functional analyses. Am J Hum Genet. 1997 Aug;61(2):317-28. PMID: 9311736. Thomas GR et al. The Wilson disease gene: spectrum of mutations and their consequences. Nat Genet. 1995 Feb;9(2):210-7. PMID: 7626145.

Genome-Nilou Lab
Classification: Likely pathogenic for Wilson disease. Last evaluated: 2021-08-10. Review status: criteria provided, single submitter. Criteria: ACMG Guidelines, 2015. Collection method: clinical testing. Allele origin: germline. Affected: no.

GeneDx
Classification: Pathogenic. Last evaluated: 2021-03-31. Review status: criteria provided, single submitter. Criteria: GeneDx Variant Classification Process June 2021. Collection method: clinical testing. Allele origin: germline. Affected: yes.
Comment: Published functional studies demonstrate damaging effects, including low copper uptake and inactive catalytic phosphorylation (Huster et al., 2012); In silico analysis, which includes protein predictors and evolutionary conservation, supports a deleterious effect; In addition, in silico splice predictors suggest this variant may lead to abnormal gene splicing. In the absence of RNA/functional studies, the actual effect of this sequence change is unknown.; Not observed at a significant frequency in large population cohorts (Lek et al., 2016); This variant is associated with the following publications: (PMID: 21610751, 11243728, 7626145, 10502777, 22692182, 22240481, 24253677, 23518715)

Laboratory for Molecular Medicine, Mass General Brigham Personalized Medicine
Classification: Pathogenic for Wilson disease. Last evaluated: 2020-06-11. Review status: criteria provided, single submitter. Criteria: ACMG Guidelines, 2015. Collection method: clinical testing. Allele origin: germline.
Comment: The p.Gly1266Arg variant in ATP7B has been previously reported in >20 patients with Wilson disease, including at least 8 compound heterozygotes and 1 homozygote, and segregated in an affected relative (Butler 2001, Coffey 2013, Curtis 1999, Moller 2011, Thomas 1995). This variant has also been reported in ClinVar (Variation ID 3849) and is present in 0.01% (3/24200) of African and 0.005% (7/128724) of European chromosomes by gnomAD. However, this frequency is low enough to be consistent with a recessive allele frequency. Computational prediction tools and conservation analysis suggest an impact to the protein. Furthermore, an in vitro study suggested an impact on protein function (Huster 2012). In summary, this variant meets criteria to be classified as pathogenic for autosomal recessive Wilson disease. ACMG/AMP criteria applied: PM3_VeryStrong, PM2_Supporting, PP1, PP3, PP4, PS3_Supporting.

Knight Diagnostic Laboratories, Oregon Health and Sciences University
Classification: Likely pathogenic for Wilson disease. Last evaluated: 2018-05-11. Review status: criteria provided, single submitter. Criteria: ACMG Guidelines, 2015. Collection method: clinical testing. Allele origin: germline. Observed: 1 variant allele.

Women's Health and Genetics/Laboratory Corporation of America, LabCorp
Classification: Pathogenic for Wilson disease. Last evaluated: 2017-04-20. Review status: criteria provided, single submitter. Criteria: LabCorp Variant Classification Summary - May 2015. Collection method: clinical testing. Allele origin: germline.
Comment: Variant summary: The ATP7B c.3796G>A (p.Gly1266Arg) variant involves the alteration of a highly conserved nucleotide. The variant is located within the putative ATP binding site of the conserved P-type ATPase Cu-like domain and 5/5 in silico tools predict a damaging outcome for this variant. These predictions were confirmed by the functional study, Huster_2012, where G1266R was shown to markedly affect copper transport and abolish catalytic phosphorylation. This variant was found in 6/120738 control chromosomes at a frequency of 0.000049, which does not exceed the estimated maximal expected allele frequency of a pathogenic ATP7B variant (0.0054006). The variant was identified in multiple affected individuals in compound heterozygosity with clinically and biochemically confirmed Wilsons disease (WD). The codon Gly1266 appears to be a mutational hot-spot, as other alteration, such as p.G1266E, p.G1266W and p.G1266V, have been reported in patients with WD. Taken together, this variant is classified as Pathogenic.

Genetic Services Laboratory, University of Chicago
Classification: Pathogenic for Wilson disease. Last evaluated: 2013-12-20. Review status: criteria provided, single submitter. Criteria: ACMG Guidelines, 2007. Collection method: clinical testing. Allele origin: germline. Inheritance: Autosomal recessive inheritance. Affected: yes.

Counsyl
Classification: Pathogenic for Wilson disease. Last evaluated: 2017-03-23. Review status: no assertion criteria provided. Collection method: clinical testing. Allele origin: unknown. Not counted in ClinVar's aggregate classification.

OMIM
Classification: Pathogenic for WILSON DISEASE. Last evaluated: 1995-02-01. Review status: no assertion criteria provided. Collection method: literature only. Allele origin: germline. Not counted in ClinVar's aggregate classification.

Genome Diagnostics Laboratory, University Medical Center Utrecht
Classification: Likely pathogenic. Review status: no assertion criteria provided. Collection method: clinical testing. Allele origin: germline. Affected: yes. Study: VKGL Data-share Consensus. Not counted in ClinVar's aggregate classification.

Joint Genome Diagnostic Labs from Nijmegen and Maastricht, Radboudumc and MUMC+
Classification: Pathogenic. Review status: no assertion criteria provided. Collection method: clinical testing. Allele origin: germline. Affected: yes. Study: VKGL Data-share Consensus. Not counted in ClinVar's aggregate classification.

Literature cited by the submitters: PubMed 9311736 (cited by Otogenetics); PubMed 21610751 (cited by 8 submitters); PubMed 21832955 (cited by Otogenetics); PubMed 22240481 (cited by 9 submitters); PubMed 22692182 (cited by 6 submitters); PubMed 23518715 (cited by 6 submitters); PubMed 7626145 (cited by 3 submitters); PubMed 11243728 (cited by 6 submitters); PubMed 10502777 (cited by 5 submitters); PubMed 24253677 (cited by Mayo Clinic Laboratories, Mayo Clinic and Laboratory for Molecular Medicine, Mass General Brigham Personalized Medicine); PubMed 26207595 (cited by Mayo Clinic Laboratories, Mayo Clinic); PubMed 34400371 (cited by Mayo Clinic Laboratories, Mayo Clinic and Natera, Inc.); PubMed 36096368 (cited by 4 submitters); PubMed 35245129 (cited by Color Diagnostics, LLC DBA Color Health).